The following is an entry in ClinVar:

NM_000455.5(STK11):c.1109-15C>T

Gene: STK11 (serine/threonine kinase 11; plus strand). Cytogenetic location: 19p13.3.
Variant type: single nucleotide variant.
Coding change: c.1109-15C>T on transcript NM_000455.5 (MANE Select); 15 bases into the intron before coding-DNA position 1109, C replaced by T.
Molecular consequence: intron variant.
Genome position (GRCh38, 1-based): chr19:1,226,439, C>T. VCF-style: chr19-1226439-C-T. GRCh37 (hg19) VCF-style: chr19-1226438-C-T.
Identifiers: ClinVar variation 507917 (VCV000507917.6), dbSNP rs1057520799, ClinGen allele CA631033963.

ClinVar aggregate classification (germline): Likely benign. Review status: criteria provided, multiple submitters, no conflicts (2 of 4 stars). 4 submissions from 4 submitters: Likely benign (4). Last evaluated 2025-03-28.

Conditions:
Peutz-Jeghers syndrome (PJS). Also called: Peutz-Jeghers polyposis; Periorificial lentiginosis syndrome; POLYPOSIS, HAMARTOMATOUS INTESTINAL; POLYPS-AND-SPOTS SYNDROME. Identifiers: Orphanet 2869, MedGen C0031269, MeSH D010580, MONDO:0008280, OMIM 175200.

gnomAD v4.1: 2 of 1,607,680 alleles (0.00012%); highest among the groups gnomAD compares: South Asian, 0.0022%; no homozygotes.

Submissions (4):

Myriad Genetics, Inc.
Classification: Likely benign for Peutz-Jeghers syndrome. Last evaluated: 2025-03-28. Review status: criteria provided, single submitter. Criteria: Myriad Autosomal Dominant, Autosomal Recessive and X-Linked Classification Criteria (2023). Collection method: clinical testing. Allele origin: unknown.
Comment: This variant is considered likely benign. This variant is intronic and is not expected to impact mRNA splicing.

All of Us Research Program, National Institutes of Health
Classification: Likely benign for Peutz-Jeghers syndrome. Last evaluated: 2023-04-03. Review status: criteria provided, single submitter. Criteria: ACMG Guidelines, 2015. Collection method: clinical testing. Allele origin: germline. Inheritance: Autosomal dominant inheritance. Observed: 1 variant allele, 1 heterozygote.
Comment: This study involves interpretation of variants in research participants for the purpose of population health screening. Participant phenotype was not available at the time of variant classification. Additional details can be found in publication PMID: 35346344, PMCID: PMC8962531

Labcorp Genetics (formerly Invitae), Labcorp
Classification: Likely benign for Peutz-Jeghers syndrome. Last evaluated: 2023-03-26. Review status: criteria provided, single submitter. Criteria: Invitae Variant Classification Sherloc (09022015). Collection method: clinical testing. Allele origin: germline.

GeneDx
Classification: Likely benign. Last evaluated: 2017-03-09. Review status: criteria provided, single submitter. Criteria: GeneDx Variant Classification (06012015). Collection method: clinical testing. Allele origin: germline. Affected: yes.
Comment: This variant is considered likely benign or benign based on one or more of the following criteria: it is a conservative change, it occurs at a poorly conserved position in the protein, it is predicted to be benign by multiple in silico algorithms, and/or has population frequency not consistent with disease.